The following is an entry in ClinVar:

NM_006796.3(AFG3L2):c.867C>T (p.Phe289=)

Gene: AFG3L2 (AFG3 like matrix AAA peptidase subunit 2; minus strand). Cytogenetic location: 18p11.21.
Variant type: single nucleotide variant.
Coding change: c.867C>T on transcript NM_006796.3 (MANE Select); coding-DNA position 867, C replaced by T.
Protein change: p.Phe289=; no amino-acid change (phenylalanine 289 retained).
Molecular consequence: synonymous variant.
Genome position (GRCh38, 1-based): chr18:12,358,829, G>A on the plus strand (C>T on the coding strand, the complement: AFG3L2 is on the minus strand). VCF-style: chr18-12358829-G-A. GRCh37 (hg19) VCF-style: chr18-12358828-G-A.
Identifiers: ClinVar variation 1806912 (VCV001806912.9), dbSNP rs748162809, ClinGen allele CA8896642.

ClinVar aggregate classification (germline): Conflicting classifications of pathogenicity. Review status: criteria provided, conflicting classifications (1 of 4 stars). 5 submissions from 5 submitters: Uncertain significance (2); Likely benign (3). Last evaluated 2025-09-05.

Allele frequency attached by ClinVar (database versions not stated): ExAC 0.00002; gnomAD 0.00004; TOPMed 0.00004; gnomAD exomes 0.00017.
gnomAD v4.1: 253 of 1,614,106 alleles (0.016%); highest among the groups gnomAD compares: Non-Finnish European, 0.021%; no homozygotes.

Submissions (5):

GeneDx
Classification: Uncertain significance. Last evaluated: 2025-09-05. Review status: criteria provided, single submitter. Criteria: GeneDx Variant Classification Process June 2021. Collection method: clinical testing. Allele origin: germline. Affected: yes.
Comment: In silico analysis suggests that this variant does not alter splicing; Has not been previously published as pathogenic or benign to our knowledge

Women's Health and Genetics/Laboratory Corporation of America, LabCorp
Classification: Likely benign. Last evaluated: 2025-05-19. Review status: criteria provided, single submitter. Criteria: LabCorp Variant Classification Summary - May 2015. Collection method: clinical testing. Allele origin: germline.

Blueprint Genetics
Classification: Likely benign. Last evaluated: 2024-04-25. Review status: criteria provided, single submitter. Criteria: ACMG Guidelines, 2015. Collection method: clinical testing. Allele origin: germline.

Labcorp Genetics (formerly Invitae), Labcorp
Classification: Likely benign. Last evaluated: 2023-10-16. Review status: criteria provided, single submitter. Criteria: Invitae Variant Classification Sherloc (09022015). Collection method: clinical testing. Allele origin: germline.

Athena Diagnostics
Classification: Uncertain significance. Last evaluated: 2021-08-12. Review status: criteria provided, single submitter. Criteria: Athena Diagnostics Criteria. Collection method: clinical testing. Allele origin: unknown.